The following is an entry in ClinVar:

ClinVar aggregate classification (germline): Benign. Review status: criteria provided, single submitter (1 of 4 stars). 4 submissions from 1 submitter: Benign (4). Last evaluated 2018-01-13.

Conditions:
Neurofibromatosis, familial spinal (FSNF). Identifiers: Orphanet 636, MedGen C1834235, MONDO:0008078, OMIM 162210. Disease mechanism: loss of function.
Neurofibromatosis, type 1 (NF1). Also called: VON RECKLINGHAUSEN DISEASE; NEUROFIBROMATOSIS, TYPE I, SOMATIC; Neurofibromatosis, type I; Peripheral type neurofibromatosis. Identifiers: Orphanet 636, MedGen C0027831, MONDO:0018975, OMIM 162200. Disease mechanism: loss of function.
Neurofibromatosis-Noonan syndrome (NFNS). Also called: NEUROFIBROMATOSIS WITH NOONAN PHENOTYPE. Identifiers: Orphanet 638, MedGen C2931482, MONDO:0011035, OMIM 601321. Disease mechanism: loss of function.
Café-au-lait macules with pulmonary stenosis (WTSN). Also called: PULMONIC STENOSIS WITH CAFE-AU-LAIT SPOTS. Identifiers: MedGen C0553586, MONDO:0008672, OMIM 193520.

Allele frequency attached by ClinVar (database versions not stated): gnomAD exomes 0.00410; gnomAD 0.02113 and 0.02271; 1000 Genomes Project 0.02137; 1000 Genomes Project 30x 0.02186; TOPMed 0.02313.
gnomAD v4.1: 3,526 of 232,810 alleles (1.5%); highest among the groups gnomAD compares: African/African-American, 7.2%; 142 homozygotes.

Submissions (6):

Illumina Laboratory Services, Illumina
Classification: Benign for Neurofibromatosis-Noonan syndrome. Last evaluated: 2018-01-13. Review status: criteria provided, single submitter. Criteria: ICSL Variant Classification Criteria 13 December 2019. Collection method: clinical testing. Allele origin: germline.
Comment: This variant was observed in the ICSL laboratory as part of a predisposition screen in an ostensibly healthy population. It had not been previously curated by ICSL or reported in the Human Gene Mutation Database (HGMD: prior to June 1st, 2018), and was therefore a candidate for classification through an automated scoring system. Utilizing variant allele frequency, disease prevalence and penetrance estimates, and inheritance mode, an automated score was calculated to assess if this variant is too frequent to cause the disease. Based on the score and internal cut-off values, a variant classified as benign is not then subjected to further curation. The score for this variant resulted in a classification of benign for this disease.

Illumina Laboratory Services, Illumina
Classification: Benign for Neurofibromatosis, type 1. Last evaluated: 2018-01-13. Review status: criteria provided, single submitter. Criteria: ICSL Variant Classification Criteria 13 December 2019. Collection method: clinical testing. Allele origin: germline.
Comment: the same text as in the submission from Illumina Laboratory Services, Illumina above.

Illumina Laboratory Services, Illumina
Classification: Benign for Neurofibromatosis, familial spinal. Last evaluated: 2018-01-13. Review status: criteria provided, single submitter. Criteria: ICSL Variant Classification Criteria 13 December 2019. Collection method: clinical testing. Allele origin: germline.
Comment: the same text as in the submission from Illumina Laboratory Services, Illumina above.

Illumina Laboratory Services, Illumina
Classification: Benign for Café-au-lait macules with pulmonary stenosis. Last evaluated: 2018-01-13. Review status: criteria provided, single submitter. Criteria: ICSL Variant Classification Criteria 13 December 2019. Collection method: clinical testing. Allele origin: germline.
Comment: the same text as in the submission from Illumina Laboratory Services, Illumina above.

Dr. Peter K. Rogan Lab, Western University
No classification provided (evidence only). Condition: Cholangiocarcinoma. Review status: no classification provided. Collection method: in vitro. Allele origin: not applicable. Functional consequence: retained intron. Not counted in ClinVar's aggregate classification.

Dr. Peter K. Rogan Lab, Western University
No classification provided (evidence only). Condition: Ovarian serous cystadenocarcinoma. Review status: no classification provided. Collection method: in vitro. Allele origin: not applicable. Functional consequence: retained intron. Not counted in ClinVar's aggregate classification.

NM_001042492.3(NF1):c.*2089G>A

Gene: NF1 (neurofibromin 1; plus strand). Cytogenetic location: 17q11.2.
Variant type: single nucleotide variant.
Coding change: c.*2089G>A on transcript NM_001042492.3 (MANE Select); 2089 bases downstream of the stop codon, G replaced by A.
Molecular consequence: 3 prime UTR variant.
Genome position (GRCh38, 1-based): chr17:31,376,244, G>A. VCF-style: chr17-31376244-G-A. GRCh37 (hg19) VCF-style: chr17-29703262-G-A.
Other names: NC_000017.10:g.29703262G>A; c.*2089G>A (NM_000267.4).
Identifiers: ClinVar variation 322595 (VCV000322595.6), dbSNP rs17881973, ClinGen allele CA10639347.
Genomic context (GRCh38, chr17:31,376,244, plus strand): 5'-CCTGGAATAGCAGGCAGTGTAAGCCTTTGATAACTTTAGTTCGATGTTTTTCTTGTTTTT[G>A]TTTGTTGGTTTGGTGCATATGATAGTGGGTGTTATGCTATTTTGCTCTTCCCATCAAAAT-3'